The following is an entry in ClinVar:

NM_001270508.2(TNFAIP3):c.1349C>A (p.Pro450His)

Gene: TNFAIP3 (TNF alpha induced protein 3; plus strand). Cytogenetic location: 6q23.3.
Variant type: single nucleotide variant.
Coding change: c.1349C>A on transcript NM_001270508.2 (MANE Select); coding-DNA position 1349, C replaced by A.
Protein change: p.Pro450His; replaces proline 450 with histidine.
Molecular consequence: missense variant.
Genome position (GRCh38, 1-based): chr6:137,878,794, C>A. VCF-style: chr6-137878794-C-A. GRCh37 (hg19) VCF-style: chr6-138199931-C-A.
Other names: c.1349C>A, p.Pro450His (NM_001270507.2, NM_006290.4); short protein forms P450H.
Identifiers: ClinVar variation 4742662 (VCV004742662.1).

ClinVar aggregate classification (germline): Uncertain significance (1 of 4 stars; one submission).

Submission:

Labcorp Genetics (formerly Invitae), Labcorp
Classification: Uncertain significance. Last evaluated: 2025-07-02. Review status: criteria provided, single submitter. Criteria: Invitae Variant Classification Sherloc (09022015). Collection method: clinical testing. Allele origin: germline.
Comment: This sequence change replaces proline, which is neutral and non-polar, with histidine, which is basic and polar, at codon 450 of the TNFAIP3 protein (p.Pro450His). This variant is not present in population databases (gnomAD no frequency). This variant has not been reported in the literature in individuals affected with TNFAIP3-related conditions. Invitae Evidence Modeling of protein sequence and biophysical properties (such as structural, functional, and spatial information, amino acid conservation, physicochemical variation, residue mobility, and thermodynamic stability) indicates that this missense variant is not expected to disrupt TNFAIP3 protein function with a negative predictive value of 80%. In summary, the available evidence is currently insufficient to determine the role of this variant in disease. Therefore, it has been classified as a Variant of Uncertain Significance.